The following is an entry in ClinVar:

ClinVar aggregate classification (germline): Uncertain significance (1 of 4 stars; one submission).

gnomAD v4.1: 12 of 1,551,542 alleles (0.00077%); highest among the groups gnomAD compares: Admixed American, 0.0059%; no homozygotes.

Submission:

GeneDx
Classification: Uncertain significance. Last evaluated: 2024-02-16. Review status: criteria provided, single submitter. Criteria: GeneDx Variant Classification Process June 2021. Collection method: clinical testing. Allele origin: germline. Affected: yes.
Comment: In silico analysis supports that this missense variant has a deleterious effect on protein structure/function; Has not been previously published as pathogenic or benign to our knowledge; Variants in candidate genes are classified as variants of uncertain significance in accordance with ACMG guidelines (PMID: 25741868)

NM_144666.3(DNHD1):c.8690G>A (p.Arg2897His)

Gene: DNHD1 (dynein heavy chain domain 1; plus strand). Cytogenetic location: 11p15.4.
Variant type: single nucleotide variant.
Coding change: c.8690G>A on transcript NM_144666.3 (MANE Select); coding-DNA position 8690, G replaced by A.
Protein change: p.Arg2897His; replaces arginine 2897 with histidine.
Molecular consequence: missense variant.
Genome position (GRCh38, 1-based): chr11:6,557,985, G>A. VCF-style: chr11-6557985-G-A. GRCh37 (hg19) VCF-style: chr11-6579215-G-A.
Other names: short protein forms R2897H.
Identifiers: ClinVar variation 3369301 (VCV003369301.1).
Genomic context (GRCh38, chr11:6,557,985, plus strand): 5'-GGGTGCTGGCCAGGCCCCGGCAGCATGGCCTGCTGCTCTCGGGGGCTCTGGGTACTGGGC[G>A]CCACACTGCCATCACTCTGGCTTCTAGCATTTGTCAGGCCCATTTCTTTCATCTACCATC-3'
Protein context (NP_653267.2, residues 2887-2907): LLLSGALGTG[Arg2897His]HTAITLASSI